The following is an entry in ClinVar:

NM_004646.4(NPHS1):c.1919T>G (p.Leu640Arg)

Gene: NPHS1 (NPHS1 adhesion molecule, nephrin; minus strand). Cytogenetic location: 19q13.12.
Variant type: single nucleotide variant.
Coding change: c.1919T>G on transcript NM_004646.4 (MANE Select); coding-DNA position 1919, T replaced by G.
Protein change: p.Leu640Arg; replaces leucine 640 with arginine.
Molecular consequence: missense variant.
Genome position (GRCh38, 1-based): chr19:35,845,379, A>C on the plus strand (T>G on the coding strand, the complement: NPHS1 is on the minus strand). VCF-style: chr19-35845379-A-C. GRCh37 (hg19) VCF-style: chr19-36336281-A-C.
Other names: short protein forms L640R.
Identifiers: ClinVar variation 4291851 (VCV004291851.1).

ClinVar aggregate classification (germline): Uncertain significance (1 of 4 stars; one submission).

Conditions:
Finnish congenital nephrotic syndrome (NPHS1). Also called: NEPHROTIC SYNDROME, TYPE 1. Identifiers: Orphanet 839, MedGen C0403399, MONDO:0009732, OMIM 256300.

Submission:

3billion
Classification: Uncertain significance for Finnish congenital nephrotic syndrome. Last evaluated: 2024-12-26. Review status: criteria provided, single submitter. Criteria: ACMG Guidelines, 2015. Collection method: clinical testing. Allele origin: germline. Affected: yes.
Comment: The variant is not observed in the gnomAD v4.1.0 dataset. Predicted Consequence/Location: Missense variant In silico tool predictions suggest damaging effect of the variant on gene or gene product [REVEL: 0.92 (>=0.6, sensitivity 0.68 and specificity 0.92); 3Cnet: 0.81 (>=0.6, sensitivity 0.72 and precision 0.9)]. The same nucleotide change resulting in the same amino acid change has been previously reported to be associated with NPHS1-related disorder (PMID: 35064937). However, the evidence of pathogenicity is insufficient at this time. Therefore, this variant is classified as VUS according to the recommendation of ACMG/AMP guideline.

Literature cited by the submitters: PubMed 35064937.